The following is an entry in ClinVar:

NM_002519.3(NPAT):c.3295G>T (p.Asp1099Tyr)

Gene: NPAT (nuclear protein, coactivator of histone transcription; minus strand). Cytogenetic location: 11q22.3.
Variant type: single nucleotide variant.
Coding change: c.3295G>T on transcript NM_002519.3 (MANE Select); coding-DNA position 3295, G replaced by T.
Protein change: p.Asp1099Tyr; replaces aspartic acid 1099 with tyrosine.
Molecular consequence: missense variant.
Genome position (GRCh38, 1-based): chr11:108,161,791, C>A on the plus strand (G>T on the coding strand, the complement: NPAT is on the minus strand). VCF-style: chr11-108161791-C-A. GRCh37 (hg19) VCF-style: chr11-108032518-C-A.
Other names: c.3316G>T, p.Asp1106Tyr (NM_001321307.1); short protein forms D1099Y, D1106Y.
Identifiers: ClinVar variation 1729879 (VCV001729879.2), dbSNP rs2496696576, ClinGen allele CA382511118.

ClinVar aggregate classification (germline): Uncertain significance (1 of 4 stars; one submission).

Submission:

Ambry Genetics
Classification: Uncertain significance. Last evaluated: 2021-12-10. Review status: criteria provided, single submitter. Criteria: Ambry Variant Classification Scheme 2023. Collection method: clinical testing. Allele origin: germline.
Comment: The p.D1099Y variant (also known as c.3295G>T), located in coding exon 17 of the NPAT gene, results from a G to T substitution at nucleotide position 3295. The aspartic acid at codon 1099 is replaced by tyrosine, an amino acid with highly dissimilar properties. This amino acid position is conserved. In addition, this alteration is predicted to be tolerated by in silico analysis. Since supporting evidence is limited at this time, the clinical significance of this alteration remains unclear.